The following is an entry in ClinVar:

ClinVar aggregate classification (germline): Uncertain significance (1 of 4 stars; one submission).

gnomAD v4.1: 7 of 1,613,946 alleles (0.00043%); highest among the groups gnomAD compares: East Asian, 0.0022%; no homozygotes.

Submission:

Labcorp Genetics (formerly Invitae), Labcorp
Classification: Uncertain significance. Last evaluated: 2022-10-26. Review status: criteria provided, single submitter. Criteria: Invitae Variant Classification Sherloc (09022015). Collection method: clinical testing. Allele origin: germline.
Comment: This variant is present in population databases (no rsID available, gnomAD 0.003%). This sequence change replaces glutamic acid, which is acidic and polar, with lysine, which is basic and polar, at codon 2435 of the ITPR1 protein (p.Glu2435Lys). This variant has not been reported in the literature in individuals affected with ITPR1-related conditions. Advanced modeling of protein sequence and biophysical properties (such as structural, functional, and spatial information, amino acid conservation, physicochemical variation, residue mobility, and thermodynamic stability) performed at Invitae indicates that this missense variant is not expected to disrupt ITPR1 protein function. In summary, the available evidence is currently insufficient to determine the role of this variant in disease. Therefore, it has been classified as a Variant of Uncertain Significance.

NM_001378452.1(ITPR1):c.7492G>A (p.Glu2498Lys)

Gene: ITPR1 (inositol 1,4,5-trisphosphate receptor type 1; plus strand). Cytogenetic location: 3p26.1.
Variant type: single nucleotide variant.
Coding change: c.7492G>A on transcript NM_001378452.1 (MANE Select); coding-DNA position 7492, G replaced by A.
Protein change: p.Glu2498Lys; replaces glutamic acid 2498 with lysine.
Molecular consequence: missense variant.
Genome position (GRCh38, 1-based): chr3:4,813,165, G>A. VCF-style: chr3-4813165-G-A. GRCh37 (hg19) VCF-style: chr3-4854849-G-A.
Other names: c.7348G>A, p.Glu2450Lys (NM_001099952.4); c.7447G>A, p.Glu2483Lys (NM_001168272.2); c.7303G>A, p.Glu2435Lys (NM_002222.7); short protein forms E2483K, E2498K, E2450K, E2435K.
Identifiers: ClinVar variation 2132331 (VCV002132331.4), dbSNP rs776530035, ClinGen allele CA351648278.